The following is an entry in ClinVar:

NM_013382.7(POMT2):c.1046_1052del (p.Arg349fs)

Gene: POMT2 (protein O-mannosyltransferase 2; minus strand). Cytogenetic location: 14q24.3.
Variant type: Deletion.
Coding change: c.1046_1052del on transcript NM_013382.7 (MANE Select); coding-DNA positions 1046 to 1052, 7 bases deleted (GGATGGC; older notation c.1046_1052delGGATGGC).
Protein change: p.Arg349fs; shifts the reading frame from arginine 349.
Molecular consequence: frameshift variant.
Genome position (GRCh38, 1-based): chr14:77,296,228-77,296,234, GCCATCC deleted on the plus strand (GGATGGC on the coding strand, the reverse complement: POMT2 is on the minus strand); deleting any 7 consecutive bases within chr14:77,296,228-77,296,235 gives the same sequence; the c. name uses the placement nearest the transcript's 3' end. VCF-style (leftmost placement, unchanged base first): chr14-77296227-GGCCATCC-G. GRCh37 (hg19) VCF-style: chr14-77762570-GGCCATCC-G.
Other names: short protein forms R349fs.
Identifiers: ClinVar variation 2929004 (VCV002929004.3), dbSNP rs886042094, ClinGen allele CA708718923.

ClinVar aggregate classification (germline): Pathogenic (1 of 4 stars; one submission).

Conditions:
Muscular dystrophy-dystroglycanopathy (congenital with impaired intellectual development), type B, 2. Also called: MUSCULAR DYSTROPHY, CONGENITAL, POMT2-RELATED; Muscular dystrophy-dystroglycanopathy (congenital with intellectual disability), type B2. Identifiers: MedGen C3150416, MONDO:0013160, OMIM 613156.
Muscular dystrophy-dystroglycanopathy (congenital with brain and eye anomalies), type A2. Also called: MUSCULAR DYSTROPHY-DYSTROGLYCANOPATHY (CONGENITAL WITH BRAIN AND EYE ANOMALIES), TYPE A, 2; WALKER-WARBURG SYNDROME OR MUSCLE-EYE-BRAIN DISEASE, POMT2-RELATED. Identifiers: Orphanet 588, Orphanet 899, MedGen C3150411, MONDO:0013154, OMIM 613150.
Autosomal recessive limb-girdle muscular dystrophy type 2N. Also called: MUSCULAR DYSTROPHY-DYSTROGLYCANOPATHY, LIMB-GIRDLE, POMT2-RELATED; Muscular dystrophy-dystroglycanopathy (limb-girdle), type C, 2. Identifiers: Orphanet 206559, MedGen C3150418, MONDO:0013162, OMIM 613158.

Submission:

Labcorp Genetics (formerly Invitae), Labcorp
Classification: Pathogenic for Muscular dystrophy-dystroglycanopathy (congenital with impaired intellectual development), type B, 2; Muscular dystrophy-dystroglycanopathy (congenital with brain and eye anomalies), type A2; Autosomal recessive limb-girdle muscular dystrophy type 2N. Last evaluated: 2023-06-23. Review status: criteria provided, single submitter. Criteria: Invitae Variant Classification Sherloc (09022015). Collection method: clinical testing. Allele origin: germline.
Comment: This sequence change creates a premature translational stop signal (p.Arg349Profs*47) in the POMT2 gene. It is expected to result in an absent or disrupted protein product. Loss-of-function variants in POMT2 are known to be pathogenic (PMID: 15894594). This variant is not present in population databases (gnomAD no frequency). This variant has not been reported in the literature in individuals affected with POMT2-related conditions. For these reasons, this variant has been classified as Pathogenic.

Literature cited by the submitters: PubMed 15894594.